The following is an entry in ClinVar:

ClinVar aggregate classification (germline): Benign/Likely benign. Review status: criteria provided, multiple submitters, no conflicts (2 of 4 stars). 9 submissions from 9 submitters: Benign (1); Likely benign (8). Last evaluated 2026-07-14.

Conditions:
SMARCA4-related disorder. Also called: SMARCA4-related condition.
Hereditary cancer-predisposing syndrome. Also called: Hereditary Cancer Syndrome; Tumor predisposition; Hereditary neoplastic syndrome; Neoplastic Syndromes, Hereditary. Identifiers: Orphanet 140162, MedGen C0027672, MeSH D009386, MONDO:0015356.
Intellectual disability, autosomal dominant 16 (CSS4). Also called: COFFIN-SIRIS SYNDROME 4. Identifiers: Orphanet 1465, MedGen C3553249, MONDO:0013821, OMIM 614609.
Rhabdoid tumor predisposition syndrome 2 (RTPS2). Identifiers: Orphanet 231108, Orphanet 69077, MedGen C2750074, MONDO:0013224, OMIM 613325.

Allele frequency attached by ClinVar (database versions not stated): gnomAD 0.00005 and 0.00004; TOPMed 0.00009; gnomAD exomes 0.00004; ExAC 0.00004.
gnomAD v4.1: 64 of 1,612,746 alleles (0.004%); highest among the groups gnomAD compares: Admixed American, 0.0083%; no homozygotes.

Submissions (9):

Myriad Genetics, Inc.
Classification: Benign for Rhabdoid tumor predisposition syndrome 2. Last evaluated: 2026-07-14. Review status: criteria provided, single submitter. Criteria: Myriad Autosomal Dominant, Autosomal Recessive and X-Linked Classification Criteria (2023). Collection method: clinical testing. Allele origin: unknown.
Comment: This variant is considered benign. This variant is a silent/synonymous amino acid change and it is not expected to impact splicing.

PreventionGenetics, part of Exact Sciences
Classification: Likely benign for SMARCA4-related condition. Last evaluated: 2026-03-06. Review status: criteria provided, single submitter. Criteria: ACMG Guidelines, 2015. Collection method: clinical testing. Allele origin: germline.
Comment: This variant is classified as likely benign based on ACMG/AMP sequence variant interpretation guidelines (Richards et al. 2015 PMID: 25741868, with internal and published modifications).

Labcorp Genetics (formerly Invitae), Labcorp
Classification: Likely benign for Rhabdoid tumor predisposition syndrome 2. Last evaluated: 2026-01-11. Review status: criteria provided, single submitter. Criteria: Invitae Variant Classification Sherloc (09022015). Collection method: clinical testing. Allele origin: germline.

CeGaT Center for Human Genetics Tuebingen
Classification: Likely benign. Last evaluated: 2025-08-01. Review status: criteria provided, single submitter. Criteria: CeGaT Center For Human Genetics Tuebingen Variant Classification Criteria Version 2. Collection method: clinical testing. Allele origin: germline. Affected: yes. Observed: 1 variant allele.
Comment: SMARCA4: BP4, BP7

Quest Diagnostics Nichols Institute San Juan Capistrano
Classification: Likely benign. Last evaluated: 2022-09-13. Review status: criteria provided, single submitter. Criteria: Quest Diagnostics criteria. Collection method: clinical testing. Allele origin: unknown.

Sema4
Classification: Likely benign for Hereditary cancer-predisposing syndrome. Last evaluated: 2021-08-17. Review status: criteria provided, single submitter. Criteria: Sema4 Curation Guidelines. Collection method: curation. Allele origin: germline.

Genome-Nilou Lab
Classification: Likely benign for Intellectual disability, autosomal dominant 16. Last evaluated: 2021-07-15. Review status: criteria provided, single submitter. Criteria: ACMG Guidelines, 2015. Collection method: clinical testing. Allele origin: germline. Affected: no.

GeneDx
Classification: Likely benign. Last evaluated: 2020-02-13. Review status: criteria provided, single submitter. Criteria: GeneDx Variant Classification Process June 2021. Collection method: clinical testing. Allele origin: germline. Affected: yes.

Ambry Genetics
Classification: Likely benign for Hereditary cancer-predisposing syndrome. Last evaluated: 2015-06-28. Review status: criteria provided, single submitter. Criteria: Ambry Variant Classification Scheme 2023. Collection method: clinical testing. Allele origin: germline.

NM_003072.5(SMARCA4):c.2832C>T (p.Asn944=)

Gene: SMARCA4 (SWI/SNF related BAF chromatin remodeling complex subunit ATPase 4; plus strand). Cytogenetic location: 19p13.2.
Variant type: single nucleotide variant.
Coding change: c.2832C>T on transcript NM_003072.5 (MANE Select); coding-DNA position 2832, C replaced by T.
Protein change: p.Asn944=; no amino-acid change (asparagine 944 retained).
Molecular consequence: synonymous variant. On other transcripts: non-coding transcript variant (1).
Genome position (GRCh38, 1-based): chr19:11,021,940, C>T. VCF-style: chr19-11021940-C-T. GRCh37 (hg19) VCF-style: chr19-11132616-C-T.
Other names: c.2832C>T, p.Asn944= (NM_001128844.3, NM_001128845.2, NM_001128846.2 and 5 more transcripts).
Identifiers: ClinVar variation 238417 (VCV000238417.34), dbSNP rs764939990, ClinGen allele CA9204229.